The following is an entry in ClinVar:

ClinVar aggregate classification (germline): Uncertain significance. Review status: criteria provided, multiple submitters, no conflicts (2 of 4 stars). 3 submissions from 3 submitters: Uncertain significance (3). Last evaluated 2025-05-21.

Conditions:
MEGF8-related Carpenter syndrome. Also called: Carpenter syndrome 2. Identifiers: Orphanet 65759, MedGen C3554247, MONDO:0013998, OMIM 614976.
Inborn genetic diseases. Identifiers: MedGen C0950123, MeSH D030342.

Allele frequency attached by ClinVar (database versions not stated): gnomAD exomes 0.00004 and 0.00017; TOPMed 0.00004; gnomAD 0.00005 and 0.00006; ExAC 0.00019.
gnomAD v4.1: 231 of 1,536,520 alleles (0.015%); highest among the groups gnomAD compares: Non-Finnish European, 0.02%; no homozygotes.

Submissions (3):

GeneDx
Classification: Uncertain significance. Last evaluated: 2025-05-21. Review status: criteria provided, single submitter. Criteria: GeneDx Variant Classification Process June 2021. Collection method: clinical testing. Allele origin: germline. Affected: yes.
Comment: In silico analysis supports that this missense variant has a deleterious effect on protein structure/function; Has not been previously published as pathogenic or benign to our knowledge

Ambry Genetics
Classification: Uncertain significance for Inborn genetic diseases. Last evaluated: 2024-02-13. Review status: criteria provided, single submitter. Criteria: Ambry Variant Classification Scheme 2023. Collection method: clinical testing. Allele origin: germline.

Labcorp Genetics (formerly Invitae), Labcorp
Classification: Uncertain significance for MEGF8-related Carpenter syndrome. Last evaluated: 2022-03-26. Review status: criteria provided, single submitter. Criteria: Invitae Variant Classification Sherloc (09022015). Collection method: clinical testing. Allele origin: germline.
Comment: This variant has not been reported in the literature in individuals affected with MEGF8-related conditions. This variant is present in population databases (rs772299336, gnomAD 0.009%). This sequence change replaces arginine, which is basic and polar, with tryptophan, which is neutral and slightly polar, at codon 1718 of the MEGF8 protein (p.Arg1718Trp). ClinVar contains an entry for this variant (Variation ID: 1186337). In summary, the available evidence is currently insufficient to determine the role of this variant in disease. Therefore, it has been classified as a Variant of Uncertain Significance. Algorithms developed to predict the effect of missense changes on protein structure and function are either unavailable or do not agree on the potential impact of this missense change (SIFT: "Deleterious"; PolyPhen-2: "Probably Damaging"; Align-GVGD: "Class C0").

NM_001271938.2(MEGF8):c.5353C>T (p.Arg1785Trp)

Gene: MEGF8 (multiple EGF like domains 8; plus strand). Cytogenetic location: 19q13.2.
Variant type: single nucleotide variant.
Coding change: c.5353C>T on transcript NM_001271938.2 (MANE Select); coding-DNA position 5353, C replaced by T.
Protein change: p.Arg1785Trp; replaces arginine 1785 with tryptophan.
Molecular consequence: missense variant.
Genome position (GRCh38, 1-based): chr19:42,359,107, C>T. VCF-style: chr19-42359107-C-T. GRCh37 (hg19) VCF-style: chr19-42863259-C-T.
Other names: c.5152C>T, p.Arg1718Trp (NM_001410.3); short protein forms R1718W, R1785W.
Identifiers: ClinVar variation 1186337 (VCV001186337.9), dbSNP rs772299336, ClinGen allele CA9475553.